The following is an entry in ClinVar:

ClinVar aggregate classification (germline): Uncertain significance. Review status: criteria provided, multiple submitters, no conflicts (2 of 4 stars). 2 submissions from 2 submitters: Uncertain significance (2). Last evaluated 2024-02-14.

Conditions:
Griscelli syndrome type 2 (GS2). Also called: GRISCELLI SYNDROME WITH HEMOPHAGOCYTIC SYNDROME; PAID SYNDROME; PARTIAL ALBINISM AND IMMUNODEFICIENCY SYNDROME. Identifiers: Orphanet 381, Orphanet 79477, MedGen C1868679, MONDO:0011872, OMIM 607624.

Submissions (2):

Mayo Clinic Laboratories, Mayo Clinic
Classification: Uncertain significance. Last evaluated: 2024-02-14. Review status: criteria provided, single submitter. Criteria: ACMG Guidelines, 2015. Collection method: clinical testing. Allele origin: germline. Observed: 1 variant allele.
Comment: BP4

Labcorp Genetics (formerly Invitae), Labcorp
Classification: Uncertain significance for Griscelli syndrome type 2. Last evaluated: 2022-05-13. Review status: criteria provided, single submitter. Criteria: Invitae Variant Classification Sherloc (09022015). Collection method: clinical testing. Allele origin: germline.
Comment: This sequence change replaces methionine, which is neutral and non-polar, with valine, which is neutral and non-polar, at codon 119 of the RAB27A protein (p.Met119Val). This variant is present in population databases (no rsID available, gnomAD 0.007%). This variant has not been reported in the literature in individuals affected with RAB27A-related conditions. Advanced modeling of protein sequence and biophysical properties (such as structural, functional, and spatial information, amino acid conservation, physicochemical variation, residue mobility, and thermodynamic stability) performed at Invitae indicates that this missense variant is not expected to disrupt RAB27A protein function. In summary, the available evidence is currently insufficient to determine the role of this variant in disease. Therefore, it has been classified as a Variant of Uncertain Significance.

NM_183235.3(RAB27A):c.355A>G (p.Met119Val)

Gene: RAB27A (RAB27A, member RAS oncogene family; minus strand). Cytogenetic location: 15q21.3.
Variant type: single nucleotide variant.
Coding change: c.355A>G on transcript NM_183235.3 (MANE Select); coding-DNA position 355, A replaced by G.
Protein change: p.Met119Val; replaces methionine 119 with valine.
Molecular consequence: missense variant.
Genome position (GRCh38, 1-based): chr15:55,224,001, T>C on the plus strand (A>G on the coding strand, the complement: RAB27A is on the minus strand). VCF-style: chr15-55224001-T-C. GRCh37 (hg19) VCF-style: chr15-55516199-T-C.
Other names: p.Met119Val; c.355A>G, p.Met119Val (NM_004580.5, NM_183234.3, NM_183236.3); short protein forms M119V.
Identifiers: ClinVar variation 2048141 (VCV002048141.2), dbSNP rs771291441, ClinGen allele CA270729443.